The following is an entry in ClinVar:

ClinVar aggregate classification (germline): Uncertain significance (1 of 4 stars; one submission).

Conditions:
Inborn genetic diseases. Identifiers: MedGen C0950123, MeSH D030342.

gnomAD v4.1: 4 of 1,578,184 alleles (0.00025%); highest among the groups gnomAD compares: Admixed American, 0.0069%; no homozygotes.

Submission:

Ambry Genetics
Classification: Uncertain significance for Inborn genetic diseases. Last evaluated: 2017-09-25. Review status: criteria provided, single submitter. Criteria: Ambry Variant Classification Scheme 2023. Collection method: clinical testing. Allele origin: germline.
Comment: The p.S75F variant (also known as c.224C>T), located in coding exon 1 of the PACS1 gene, results from a C to T substitution at nucleotide position 224. The serine at codon 75 is replaced by phenylalanine, an amino acid with highly dissimilar properties. This amino acid position is conserved on limited sequence alignment. In addition, this alteration is predicted to be tolerated by in silico analysis. Since supporting evidence is limited at this time, the clinical significance of this alteration remains unclear.

NM_018026.4(PACS1):c.224C>T (p.Ser75Phe)

Genes: PACS1 (phosphofurin acidic cluster sorting protein 1; plus strand), LOC130006099 (ATAC-STARR-seq lymphoblastoid silent region 3575; plus strand). Cytogenetic location: 11q13.1.
Variant type: single nucleotide variant.
Coding change: c.224C>T on transcript NM_018026.4 (MANE Select); coding-DNA position 224, C replaced by T.
Protein change: p.Ser75Phe; replaces serine 75 with phenylalanine.
Molecular consequence: missense variant.
Genome position (GRCh38, 1-based): chr11:66,070,710, C>T. VCF-style: chr11-66070710-C-T. GRCh37 (hg19) VCF-style: chr11-65838181-C-T.
Other names: short protein forms S75F.
Identifiers: ClinVar variation 1788394 (VCV001788394.2), dbSNP rs753656283, ClinGen allele CA6116188.